The following is an entry in ClinVar:

NM_001010867.4(IBA57):c.617C>T (p.Ala206Val)

Gene: IBA57 (iron-sulfur cluster assembly factor IBA57; plus strand). Cytogenetic location: 1q42.13.
Variant type: single nucleotide variant.
Coding change: c.617C>T on transcript NM_001010867.4 (MANE Select); coding-DNA position 617, C replaced by T.
Protein change: p.Ala206Val; replaces alanine 206 with valine.
Molecular consequence: missense variant.
Genome position (GRCh38, 1-based): chr1:228,174,967, C>T. VCF-style: chr1-228174967-C-T. GRCh37 (hg19) VCF-style: chr1-228362668-C-T.
Other names: c.38C>T, p.Ala13Val (NM_001310327.2); short protein forms A13V, A206V.
Identifiers: ClinVar variation 3383833 (VCV003383833.1).

ClinVar aggregate classification (germline): Uncertain significance (1 of 4 stars; one submission).

Submission:

GeneDx
Classification: Uncertain significance. Last evaluated: 2024-05-31. Review status: criteria provided, single submitter. Criteria: GeneDx Variant Classification Process June 2021. Collection method: clinical testing. Allele origin: germline. Affected: yes.
Comment: Not observed at significant frequency in large population cohorts (gnomAD); In silico analysis indicates that this missense variant does not alter protein structure/function; Has not been previously published as pathogenic or benign to our knowledge